The following is an entry in ClinVar:

ClinVar aggregate classification (germline): Benign. Review status: criteria provided, single submitter (1 of 4 stars). 2 submissions from 2 submitters: Benign (1). 1 of the submissions does not count toward it. Last evaluated 2017-09-29.

Conditions:
CACNA1I-related disorder. Also called: CACNA1I-related condition.

Allele frequency attached by ClinVar (database versions not stated): gnomAD exomes 0.00020 and 0.00043; ExAC 0.00051; 1000 Genomes Project 0.00160; gnomAD 0.00183 and 0.00200; TOPMed 0.00195; ESP Exome Variant Server 0.00218; 1000 Genomes Project 30x 0.00219.
gnomAD v4.1: 587 of 1,607,896 alleles (0.037%); highest among the groups gnomAD compares: African/African-American, 0.71%; 2 homozygotes.

Submissions (2):

Labcorp Genetics (formerly Invitae), Labcorp
Classification: Benign. Last evaluated: 2017-09-29. Review status: criteria provided, single submitter. Criteria: Invitae Variant Classification Sherloc (09022015). Collection method: clinical testing. Allele origin: germline.

PreventionGenetics, part of Exact Sciences
Classification: Likely benign for CACNA1I-related condition. Last evaluated: 2019-06-07. Review status: no assertion criteria provided. Collection method: clinical testing. Allele origin: germline. Not counted in ClinVar's aggregate classification.
Comment: This variant is classified as likely benign based on ACMG/AMP sequence variant interpretation guidelines (Richards et al. 2015 PMID: 25741868, with internal and published modifications).

NM_021096.4(CACNA1I):c.489C>T (p.Val163=)

Gene: CACNA1I (calcium voltage-gated channel subunit alpha1 I; plus strand). Cytogenetic location: 22q13.1.
Variant type: single nucleotide variant.
Coding change: c.489C>T on transcript NM_021096.4 (MANE Select); coding-DNA position 489, C replaced by T.
Protein change: p.Val163=; no amino-acid change (valine 163 retained).
Molecular consequence: synonymous variant.
Genome position (GRCh38, 1-based): chr22:39,619,316, C>T. VCF-style: chr22-39619316-C-T. GRCh37 (hg19) VCF-style: chr22-40015321-C-T.
Other names: c.489C>T, p.Val163= (NM_001003406.2).
Identifiers: ClinVar variation 716254 (VCV000716254.5), dbSNP rs60795524, ClinGen allele CA10243625.
Genomic context (GRCh38, chr22:39,619,316, plus strand): 5'-CTGGCCCCAGCTGGCCTCCAGCACCATCCCTCACTCTCTCTCCTTTCTCTGCAGGATGGT[C>T]GAGTACTCCCTGGACCTTCAGAACATCAACCTGTCAGCCATCCGCACCGTGCGCGTCCTG-3'
Protein context (NP_066919.2, residues 153-173): LDFFIVMAGM[Val163=]EYSLDLQNIN